The following is an entry in ClinVar:

NM_001366385.1(CARD14):c.652C>T (p.Arg218Cys)

Gene: CARD14 (caspase recruitment domain family member 14; plus strand). Cytogenetic location: 17q25.3.
Variant type: single nucleotide variant.
Coding change: c.652C>T on transcript NM_001366385.1 (MANE Select); coding-DNA position 652, C replaced by T.
Protein change: p.Arg218Cys; replaces arginine 218 with cysteine.
Molecular consequence: missense variant. On other transcripts: non-coding transcript variant (1).
Genome position (GRCh38, 1-based): chr17:80,184,215, C>T. VCF-style: chr17-80184215-C-T. GRCh37 (hg19) VCF-style: chr17-78158014-C-T.
Other names: c.652C>T, p.Arg218Cys (NM_001257970.1, NM_024110.4); short protein forms R218C.
Identifiers: ClinVar variation 1059512 (VCV001059512.9), dbSNP rs747854314, ClinGen allele CA8816465.

ClinVar aggregate classification (germline): Uncertain significance (1 of 4 stars; one submission).

Conditions:
Pityriasis rubra pilaris (PRP). Also called: Pityriasis rubra pilaris--familial type. Identifiers: Orphanet 2897, MedGen C0032027, MONDO:0100017, OMIM 173200, MONDO:0008251.
Psoriasis 2. Identifiers: MedGen C1864497, MONDO:0011269, OMIM 602723.

Allele frequency attached by ClinVar (database versions not stated): TOPMed 0.00002; gnomAD exomes 0.00003; gnomAD 0.00005.

Submission:

Labcorp Genetics (formerly Invitae), Labcorp
Classification: Uncertain significance for Pityriasis rubra pilaris; Psoriasis 2. Last evaluated: 2025-09-02. Review status: criteria provided, single submitter. Criteria: Invitae Variant Classification Sherloc (09022015). Collection method: clinical testing. Allele origin: germline.
Comment: This sequence change replaces arginine, which is basic and polar, with cysteine, which is neutral and slightly polar, at codon 218 of the CARD14 protein (p.Arg218Cys). The frequency data for this variant in the population databases is considered unreliable, as metrics indicate poor data quality at this position in the gnomAD database. This variant has not been reported in the literature in individuals affected with CARD14-related conditions. ClinVar contains an entry for this variant (Variation ID: 1059512). Invitae Evidence Modeling of protein sequence and biophysical properties (such as structural, functional, and spatial information, amino acid conservation, physicochemical variation, residue mobility, and thermodynamic stability) has been performed for this missense variant. However, the output from this modeling did not meet the statistical confidence thresholds required to predict the impact of this variant on CARD14 protein function. Experimental studies are conflicting or provide insufficient evidence to determine the effect of this variant on CARD14 function (PMID: 26358359). In summary, the available evidence is currently insufficient to determine the role of this variant in disease. Therefore, it has been classified as a Variant of Uncertain Significance.

Literature cited by the submitters: PubMed 26358359.